The following is an entry in ClinVar:

NM_000059.4(BRCA2):c.6752A>C (p.His2251Pro)

Gene: BRCA2 (BRCA2 DNA repair associated; plus strand). Cytogenetic location: 13q13.1.
Variant type: single nucleotide variant.
Coding change: c.6752A>C on transcript NM_000059.4 (MANE Select); coding-DNA position 6752, A replaced by C.
Protein change: p.His2251Pro; replaces histidine 2251 with proline.
Molecular consequence: missense variant. On other transcripts: intron variant (2), non-coding transcript variant (1).
Genome position (GRCh38, 1-based): chr13:32,341,107, A>C. VCF-style: chr13-32341107-A-C. GRCh37 (hg19) VCF-style: chr13-32915244-A-C.
Other names: c.1910-3451A>C (NM_001406721.1); c.425-3451A>C (NM_001406722.1); c.6752A>C, p.His2251Pro (NM_001406719.1, NM_001406720.1, NM_001432077.1); short protein forms H2251P.
Identifiers: ClinVar variation 4215905 (VCV004215905.2).

ClinVar aggregate classification (germline): Uncertain significance. Review status: criteria provided, multiple submitters, no conflicts (2 of 4 stars). 2 submissions from 2 submitters: Uncertain significance (2). Last evaluated 2025-08-18.

Conditions:
Hereditary cancer-predisposing syndrome. Also called: Hereditary Cancer Syndrome; Hereditary neoplastic syndrome; Neoplastic Syndromes, Hereditary; Tumor predisposition. Identifiers: Orphanet 140162, MedGen C0027672, MeSH D009386, MONDO:0015356.

Submissions (2):

Ambry Genetics
Classification: Uncertain significance for Hereditary cancer-predisposing syndrome. Last evaluated: 2025-08-18. Review status: criteria provided, single submitter. Criteria: Ambry Variant Classification Scheme 2023. Collection method: clinical testing. Allele origin: germline.
Comment: The p.H2251P variant (also known as c.6752A>C), located in coding exon 10 of the BRCA2 gene, results from an A to C substitution at nucleotide position 6752. The histidine at codon 2251 is replaced by proline, an amino acid with similar properties. This amino acid position is not well conserved in available vertebrate species. In addition, the in silico prediction for this alteration is inconclusive. Based on the available evidence, the clinical significance of this variant remains unclear.

Quest Diagnostics Nichols Institute San Juan Capistrano
Classification: Uncertain significance. Last evaluated: 2024-12-24. Review status: criteria provided, single submitter. Criteria: Quest Diagnostics criteria. Collection method: clinical testing. Allele origin: unknown.
Comment: The BRCA2 c.6752A>C (p.His2251Pro) variant has been reported in the published literature in an individual with breast cancer (PMID: 34196900 (2021)). This variant has not been reported in large, multi-ethnic general populations (Genome Aggregation Database). Analysis of this variant using bioinformatics tools for the prediction of the effect of amino acid changes on protein structure and function yielded conflicting predictions that this variant is benign or damaging. Based on the available information, we are unable to determine the clinical significance of this variant.

Literature cited by the submitters: PubMed 34196900 (cited by Quest Diagnostics Nichols Institute San Juan Capistrano).